The following is an entry in ClinVar:

NM_015425.6(POLR1A):c.2485G>A (p.Ala829Thr)

Gene: POLR1A (RNA polymerase I subunit A; minus strand). Cytogenetic location: 2p11.2.
Variant type: single nucleotide variant.
Coding change: c.2485G>A on transcript NM_015425.6 (MANE Select); coding-DNA position 2485, G replaced by A.
Protein change: p.Ala829Thr; replaces alanine 829 with threonine.
Molecular consequence: missense variant.
Genome position (GRCh38, 1-based): chr2:86,049,033, C>T on the plus strand (G>A on the coding strand, the complement: POLR1A is on the minus strand). VCF-style: chr2-86049033-C-T. GRCh37 (hg19) VCF-style: chr2-86276156-C-T.
Other names: short protein forms A829T.
Identifiers: ClinVar variation 1522128 (VCV001522128.6), dbSNP rs940518585, ClinGen allele CA347541109.

ClinVar aggregate classification (germline): Uncertain significance (1 of 4 stars; one submission).

Allele frequency attached by ClinVar (database versions not stated): TOPMed below 0.00001.

Submission:

Labcorp Genetics (formerly Invitae), Labcorp
Classification: Uncertain significance. Last evaluated: 2021-09-17. Review status: criteria provided, single submitter. Criteria: Invitae Variant Classification Sherloc (09022015). Collection method: clinical testing. Allele origin: germline.
Comment: Algorithms developed to predict the effect of missense changes on protein structure and function are either unavailable or do not agree on the potential impact of this missense change (SIFT: "Not Available"; PolyPhen-2: "Benign"; Align-GVGD: "Not Available"). This sequence change replaces alanine with threonine at codon 829 of the POLR1A protein (p.Ala829Thr). The alanine residue is moderately conserved and there is a small physicochemical difference between alanine and threonine. This variant is not present in population databases (ExAC no frequency). This variant has not been reported in the literature in individuals affected with POLR1A-related conditions. In summary, the available evidence is currently insufficient to determine the role of this variant in disease. Therefore, it has been classified as a Variant of Uncertain Significance.